The following is an entry in ClinVar:

NM_203446.3(SYNJ1):c.2519C>G (p.Thr840Arg)

Gene: SYNJ1 (synaptojanin 1; minus strand). Cytogenetic location: 21q22.11.
Variant type: single nucleotide variant.
Coding change: c.2519C>G on transcript NM_203446.3 (MANE Select); coding-DNA position 2519, C replaced by G.
Protein change: p.Thr840Arg; replaces threonine 840 with arginine.
Molecular consequence: missense variant.
Genome position (GRCh38, 1-based): chr21:32,657,063, G>C on the plus strand (C>G on the coding strand, the complement: SYNJ1 is on the minus strand). VCF-style: chr21-32657063-G-C. GRCh37 (hg19) VCF-style: chr21-34029373-G-C.
Other names: c.2519C>G, p.Thr840Arg (NM_001160302.2); c.2504C>G, p.Thr835Arg (NM_001160306.2); c.2636C>G, p.Thr879Arg (NM_003895.4); short protein forms T835R, T840R, T879R.
Identifiers: ClinVar variation 1958471 (VCV001958471.2), dbSNP rs560413403, ClinGen allele CA410074415.

ClinVar aggregate classification (germline): Uncertain significance (1 of 4 stars; one submission).

Conditions:
Developmental and epileptic encephalopathy, 53. Also called: Epileptic encephalopathy, early infantile, 53. Identifiers: MedGen C4479313, MONDO:0033362, OMIM 617389.
Early-onset Parkinson disease 20. Also called: PARKINSON DISEASE 20, AUTOSOMAL RECESSIVE EARLY-ONSET. Identifiers: Orphanet 391411, MedGen C3809824, MONDO:0014233, OMIM 615530.

gnomAD v4.1: 6 of 1,614,150 alleles (0.00037%); highest among the groups gnomAD compares: African/African-American, 0.0013%; no homozygotes.

Submission:

Labcorp Genetics (formerly Invitae), Labcorp
Classification: Uncertain significance for Developmental and epileptic encephalopathy, 53; Early-onset Parkinson disease 20. Last evaluated: 2022-03-26. Review status: criteria provided, single submitter. Criteria: Invitae Variant Classification Sherloc (09022015). Collection method: clinical testing. Allele origin: germline.
Comment: This sequence change replaces threonine, which is neutral and polar, with arginine, which is basic and polar, at codon 879 of the SYNJ1 protein (p.Thr879Arg). This variant is not present in population databases (gnomAD no frequency). This variant has not been reported in the literature in individuals affected with SYNJ1-related conditions. Algorithms developed to predict the effect of missense changes on protein structure and function are either unavailable or do not agree on the potential impact of this missense change (SIFT: "Deleterious"; PolyPhen-2: "Probably Damaging"; Align-GVGD: "Class C0"). In summary, the available evidence is currently insufficient to determine the role of this variant in disease. Therefore, it has been classified as a Variant of Uncertain Significance.